The following is an entry in ClinVar:

ClinVar aggregate classification (germline): Uncertain significance (1 of 4 stars; one submission).

Conditions:
Familial adenomatous polyposis 1 (FAP1). Also called: FAMILIAL ADENOMATOUS POLYPOSIS 1, ATTENUATED; POLYPOSIS, ADENOMATOUS INTESTINAL. Identifiers: MedGen C2713442, MONDO:0021056, OMIM 175100. Disease mechanism: loss of function.

Submission:

Labcorp Genetics (formerly Invitae), Labcorp
Classification: Uncertain significance for Familial adenomatous polyposis 1. Last evaluated: 2024-09-06. Review status: criteria provided, single submitter. Criteria: Invitae Variant Classification Sherloc (09022015). Collection method: clinical testing. Allele origin: germline.
Comment: This variant occurs in a non-coding region of the APC gene. It does not change the encoded amino acid sequence of the APC protein. This variant is not present in population databases (gnomAD no frequency). This variant has not been reported in the literature in individuals affected with APC-related conditions. Experimental studies and prediction algorithms are not available or were not evaluated, and the functional significance of this variant is currently unknown. In summary, the available evidence is currently insufficient to determine the role of this variant in disease. Therefore, it has been classified as a Variant of Uncertain Significance.

NM_001127511.3(APC):c.-211T>C

Genes: APC (APC regulator of Wnt signaling pathway; plus strand), LOC129994371 (ATAC-STARR-seq lymphoblastoid active region 22910; plus strand). Cytogenetic location: 5q22.2.
Variant type: single nucleotide variant.
Coding change: c.-211T>C on transcript NM_001127511.3; 211 bases upstream of the start codon, T replaced by C.
Molecular consequence: 5 prime UTR variant. On other transcripts: non-coding transcript variant (2).
Genome position (GRCh38, 1-based): chr5:112,707,507, T>C. VCF-style: chr5-112707507-T-C. GRCh37 (hg19) VCF-style: chr5-112043204-T-C.
Other names: c.-394T>C (NM_001354895.2, NM_001407447.1, NM_001407452.1 and 3 more transcripts); c.-211T>C (NM_001354897.2, NM_001354902.2, NM_001407446.1); c.-161T>C (NM_001407448.1, NM_001407450.1, NM_001407457.1 and 1 more transcripts); c.-185T>C (NM_001407453.1); c.-1429T>C (NM_001407470.1, NM_001407472.1).
Identifiers: ClinVar variation 3665338 (VCV003665338.2).
Genomic context (GRCh38, chr5:112,707,507, plus strand): 5'-CAGGCTCTAGTCTCCGGGCTGTGGGAAGCCAGCAACACCTCTCACGCATGCGCATTGTAG[T>C]CTTCCCACCTCCCACAAGATGGCGGAGGGCAAGTAGCAAGGGGGCGGGGTGTGGCCGCCG-3'